The following is an entry in ClinVar:

ClinVar aggregate classification (germline): Uncertain significance (1 of 4 stars; one submission).

Conditions:
Adenylosuccinate lyase deficiency (ADSLD). Also called: ADSL DEFICIENCY. Identifiers: Orphanet 46, MedGen C0268126, MONDO:0007068, OMIM 103050.

Allele frequency attached by ClinVar (database versions not stated): gnomAD exomes below 0.00001.
gnomAD v4.1: 1 of 1,613,178 alleles (0.000062%); highest among the groups gnomAD compares: Non-Finnish European, 0.000085%; no homozygotes.

Submission:

Labcorp Genetics (formerly Invitae), Labcorp
Classification: Uncertain significance for Adenylosuccinate lyase deficiency. Last evaluated: 2022-04-16. Review status: criteria provided, single submitter. Criteria: Invitae Variant Classification Sherloc (09022015). Collection method: clinical testing. Allele origin: germline.
Comment: In summary, the available evidence is currently insufficient to determine the role of this variant in disease. Therefore, it has been classified as a Variant of Uncertain Significance. This sequence change replaces asparagine, which is neutral and polar, with lysine, which is basic and polar, at codon 336 of the ADSL protein (p.Asn336Lys). This variant is not present in population databases (gnomAD no frequency). This variant has not been reported in the literature in individuals affected with ADSL-related conditions. Algorithms developed to predict the effect of missense changes on protein structure and function are either unavailable or do not agree on the potential impact of this missense change (SIFT: "Tolerated"; PolyPhen-2: "Probably Damaging"; Align-GVGD: "Class C0").

NM_000026.4(ADSL):c.1008C>G (p.Asn336Lys)

Gene: ADSL (adenylosuccinate lyase; plus strand). Cytogenetic location: 22q13.1.
Variant type: single nucleotide variant.
Coding change: c.1008C>G on transcript NM_000026.4 (MANE Select); coding-DNA position 1008, C replaced by G.
Protein change: p.Asn336Lys; replaces asparagine 336 with lysine.
Molecular consequence: missense variant. On other transcripts: non-coding transcript variant (1).
Genome position (GRCh38, 1-based): chr22:40,361,633, C>G. VCF-style: chr22-40361633-C-G. GRCh37 (hg19) VCF-style: chr22-40757637-C-G.
Other names: c.1008C>G, p.Asn336Lys (NM_001123378.3, NM_001363840.3); c.816C>G, p.Asn272Lys (NM_001317923.2); short protein forms N336K, N272K.
Identifiers: ClinVar variation 1432115 (VCV001432115.6), dbSNP rs2146663691, ClinGen allele CA411644678.
Genomic context (GRCh38, chr22:40,361,633, plus strand): 5'-GGACCCGCTACAGACAGCATCTGTCCAGTGGTTTGAACGCACACTGGATGATAGTGCCAA[C>G]CGGTCAGTGGCACAGGGACATCACATACACCAAGTTGAGTGGAGGTCTGAAGGAGGGACC-3'
Protein context (NP_000017.1, residues 326-346): WFERTLDDSA[Asn336Lys]RRICLAEAFL